The following is an entry in ClinVar:

ClinVar aggregate classification (germline): Pathogenic. Review status: criteria provided, multiple submitters, no conflicts (2 of 4 stars). 2 submissions from 2 submitters: Pathogenic (2). Last evaluated 2023-10-01.

Conditions:
Retinal dystrophy. Also called: Inherited retinal dystrophy. Identifiers: Orphanet 71862, MedGen C0854723, MeSH D058499, MONDO:0019118, HP:0000556.

gnomAD v4.1: 1 of 1,613,864 alleles (0.000062%); highest among the groups gnomAD compares: East Asian, 0.0022%; no homozygotes.

Submissions (2):

Dept Of Ophthalmology, Nagoya University
Classification: Pathogenic for Retinal dystrophy. Last evaluated: 2023-10-01. Review status: criteria provided, single submitter. Criteria: Submitter's publication. Collection method: research. Allele origin: germline. Affected: yes.

Labcorp Genetics (formerly Invitae), Labcorp
Classification: Pathogenic. Last evaluated: 2020-10-04. Review status: criteria provided, single submitter. Criteria: Invitae Variant Classification Sherloc (09022015). Collection method: clinical testing. Allele origin: germline.
Comment: For these reasons, this variant has been classified as Pathogenic. Loss-of-function variants in RBP3 are known to be pathogenic (PMID: 9614228, 23105016, 25766589). Algorithms developed to predict the effect of sequence changes on RNA splicing suggest that this variant may create or strengthen a splice site, but this prediction has not been confirmed by published transcriptional studies. This sequence change creates a premature translational stop signal (p.Glu149*) in the RBP3 gene. It is expected to result in an absent or disrupted protein product. This variant is not present in population databases (ExAC no frequency). This variant has not been reported in the literature in individuals with RBP3-related conditions.

Literature cited by the submitters: PubMed 9614228 (cited by Labcorp Genetics (formerly Invitae), Labcorp); PubMed 23105016 (cited by Labcorp Genetics (formerly Invitae), Labcorp); PubMed 25766589 (cited by Labcorp Genetics (formerly Invitae), Labcorp).

NM_002900.3(RBP3):c.445G>T (p.Glu149Ter)

Gene: RBP3 (retinol binding protein 3; plus strand). Cytogenetic location: 10q11.22.
Variant type: single nucleotide variant.
Coding change: c.445G>T on transcript NM_002900.3 (MANE Select); coding-DNA position 445, G replaced by T.
Protein change: p.Glu149Ter; replaces glutamic acid 149 with a stop codon.
Molecular consequence: nonsense.
Genome position (GRCh38, 1-based): chr10:47,348,929, G>T. VCF-style: chr10-47348929-G-T. GRCh37 (hg19) VCF-style: chr10-48390433-C-A.
Other names: short protein forms E149*.
Identifiers: ClinVar variation 938453 (VCV000938453.8), dbSNP rs782463303, ClinGen allele CA206460147.
Genomic context (GRCh38, chr10:47,348,929, plus strand): 5'-AATGTGGGCTACCTGCGGGTGGACAGCGTCCCGGGCCAGGAGGTGCTGAGCATGATGGGG[G>T]AGTTCCTGGTGGCCCACGTGTGGGGGAATCTCATGGGCACCTCCGCCTTAGTGCTGGATC-3'